The following is an entry in ClinVar:

ClinVar aggregate classification (germline): Uncertain significance. Review status: criteria provided, multiple submitters, no conflicts (2 of 4 stars). 2 submissions from 2 submitters: Uncertain significance (2). Last evaluated 2025-09-11.

Conditions:
Left ventricular noncompaction 8 (LVNC8). Identifiers: Orphanet 154, Orphanet 54260, MedGen C3809288, MONDO:0014152, OMIM 615373.
Inborn genetic diseases. Identifiers: MedGen C0950123, MeSH D030342.

gnomAD v4.1: 4 of 1,611,210 alleles (0.00025%); highest among the groups gnomAD compares: Admixed American, 0.005%; no homozygotes.

Submissions (2):

Ambry Genetics
Classification: Uncertain significance for Inborn genetic diseases. Last evaluated: 2025-09-11. Review status: criteria provided, single submitter. Criteria: Ambry Variant Classification Scheme 2023. Collection method: clinical testing. Allele origin: germline.

Labcorp Genetics (formerly Invitae), Labcorp
Classification: Uncertain significance for Left ventricular noncompaction 8. Last evaluated: 2025-06-06. Review status: criteria provided, single submitter. Criteria: Invitae Variant Classification Sherloc (09022015). Collection method: clinical testing. Allele origin: germline.
Comment: This sequence change replaces histidine, which is basic and polar, with glutamine, which is neutral and polar, at codon 494 of the PRDM16 protein (p.His494Gln). This variant is present in population databases (no rsID available, gnomAD 0.006%). This variant has not been reported in the literature in individuals affected with PRDM16-related conditions. ClinVar contains an entry for this variant (Variation ID: 474405). An algorithm developed to predict the effect of missense changes on protein structure and function outputs the following: PolyPhen-2: "Benign". The glutamine amino acid residue is found in multiple mammalian species, which suggests that this missense change does not adversely affect protein function. In summary, the available evidence is currently insufficient to determine the role of this variant in disease. Therefore, it has been classified as a Variant of Uncertain Significance.

NM_022114.4(PRDM16):c.1482C>G (p.His494Gln)

Gene: PRDM16 (PR/SET domain 16; plus strand). Cytogenetic location: 1p36.32.
Variant type: single nucleotide variant.
Coding change: c.1482C>G on transcript NM_022114.4 (MANE Select); coding-DNA position 1482, C replaced by G.
Protein change: p.His494Gln; replaces histidine 494 with glutamine.
Molecular consequence: missense variant.
Genome position (GRCh38, 1-based): chr1:3,411,679, C>G. VCF-style: chr1-3411679-C-G. GRCh37 (hg19) VCF-style: chr1-3328243-C-G.
Other names: c.1482C>G, p.His494Gln (NM_199454.3); short protein forms H494Q.
Identifiers: ClinVar variation 474405 (VCV000474405.8), dbSNP rs755193238, ClinGen allele CA337997683.